The following is an entry in ClinVar:

NM_006231.4(POLE):c.6460C>T (p.Pro2154Ser)

Gene: POLE (DNA polymerase epsilon, catalytic subunit; minus strand). Cytogenetic location: 12q24.33.
Variant type: single nucleotide variant.
Coding change: c.6460C>T on transcript NM_006231.4 (MANE Select); coding-DNA position 6460, C replaced by T.
Protein change: p.Pro2154Ser; replaces proline 2154 with serine.
Molecular consequence: missense variant.
Genome position (GRCh38, 1-based): chr12:132,626,188, G>A on the plus strand (C>T on the coding strand, the complement: POLE is on the minus strand). VCF-style: chr12-132626188-G-A. GRCh37 (hg19) VCF-style: chr12-133202774-G-A.
Other names: short protein forms P2154S.
Identifiers: ClinVar variation 574369 (VCV000574369.14), dbSNP rs778456846, ClinGen allele CA6892173.

ClinVar aggregate classification (germline): Uncertain significance. Review status: criteria provided, multiple submitters, no conflicts (2 of 4 stars). 3 submissions from 3 submitters: Uncertain significance (3). Last evaluated 2025-12-24.

Conditions:
Intrauterine growth retardation, metaphyseal dysplasia, adrenal hypoplasia congenita, genital anomalies, and immunodeficiency. Also called: IMAGEI SYNDROME. Identifiers: MedGen C5193036, MONDO:0032684, OMIM 618336.
Colorectal cancer, susceptibility to, 12 (CRCS12). Also called: COLORECTAL CANCER, SUSCEPTIBILITY TO, ON CHROMOSOME 12q24. Identifiers: Orphanet 220460, MedGen C3554460, MONDO:0014038, OMIM 615083.
Facial dysmorphism-immunodeficiency-livedo-short stature syndrome. Also called: Facial dysmorphism, immunodeficiency, livedo, and short stature; FILS syndrome. Identifiers: Orphanet 352712, MedGen C3554576, MONDO:0014058, OMIM 615139.
Hereditary cancer-predisposing syndrome. Also called: Neoplastic Syndromes, Hereditary; Hereditary Cancer Syndrome; Tumor predisposition; Hereditary neoplastic syndrome. Identifiers: Orphanet 140162, MedGen C0027672, MeSH D009386, MONDO:0015356.

Allele frequency attached by ClinVar (database versions not stated): gnomAD exomes 0.00001; ExAC 0.00002; TOPMed 0.00002.
gnomAD v4.1: 18 of 1,613,556 alleles (0.0011%); highest among the groups gnomAD compares: Non-Finnish European, 0.0015%; no homozygotes.

Submissions (3):

Labcorp Genetics (formerly Invitae), Labcorp
Classification: Uncertain significance. Last evaluated: 2025-12-24. Review status: criteria provided, single submitter. Criteria: Invitae Variant Classification Sherloc (09022015). Collection method: clinical testing. Allele origin: germline.
Comment: This sequence change replaces proline, which is neutral and non-polar, with serine, which is neutral and polar, at codon 2154 of the POLE protein (p.Pro2154Ser). This variant is present in population databases (rs778456846, gnomAD 0.002%). This variant has not been reported in the literature in individuals affected with POLE-related conditions. ClinVar contains an entry for this variant (Variation ID: 574369). Invitae Evidence Modeling of protein sequence and biophysical properties (such as structural, functional, and spatial information, amino acid conservation, physicochemical variation, residue mobility, and thermodynamic stability) indicates that this missense variant is not expected to disrupt POLE protein function with a negative predictive value of 80%. In summary, the available evidence is currently insufficient to determine the role of this variant in disease. Therefore, it has been classified as a Variant of Uncertain Significance.

Ambry Genetics
Classification: Uncertain significance for Hereditary cancer-predisposing syndrome. Last evaluated: 2024-05-25. Review status: criteria provided, single submitter. Criteria: Ambry Variant Classification Scheme 2023. Collection method: clinical testing. Allele origin: germline.
Comment: The p.P2154S variant (also known as c.6460C>T), located in coding exon 46 of the POLE gene, results from a C to T substitution at nucleotide position 6460. The proline at codon 2154 is replaced by serine, an amino acid with similar properties. This amino acid position is conserved. In addition, this alteration is predicted to be tolerated by in silico analysis. Since supporting evidence is limited at this time, the clinical significance of this alteration remains unclear.

Department of Pathology and Laboratory Medicine, Sinai Health System
Classification: Uncertain significance for Colorectal cancer, susceptibility to, 12; Facial dysmorphism-immunodeficiency-livedo-short stature syndrome; Intrauterine growth retardation, metaphyseal dysplasia, adrenal hypoplasia congenita, genital anomalies, and immunodeficiency. Last evaluated: 2022-11-15. Review status: criteria provided, single submitter. Criteria: ACMG Guidelines, 2015. Collection method: clinical testing. Allele origin: germline. Affected: yes.